The following is an entry in ClinVar:

NM_001374385.1(ATP8B1):c.3082_3091del (p.Phe1028fs)

Genes: ATP8B1 (ATPase phospholipid transporting 8B1; minus strand), ATP8B1-AS1 (ATP8B1 antisense RNA 1; plus strand). Cytogenetic location: 18q21.31.
Variant type: Deletion.
Coding change: c.3082_3091del on transcript NM_001374385.1 (MANE Select); coding-DNA positions 3082 to 3091, 10 bases deleted (TTCAACTATA; older notation c.3082_3091delTTCAACTATA).
Protein change: p.Phe1028fs; shifts the reading frame from phenylalanine 1028.
Molecular consequence: frameshift variant.
Genome position (GRCh38, 1-based): chr18:57,652,654-57,652,663, TATAGTTGAA deleted on the plus strand (TTCAACTATA on the coding strand, the reverse complement: ATP8B1 is on the minus strand); deleting any 10 consecutive bases within chr18:57,652,654-57,652,665 gives the same sequence; the c. name uses the placement nearest the transcript's 3' end. VCF-style (leftmost placement, unchanged base first): chr18-57652653-TTATAGTTGAA-T. GRCh37 (hg19) VCF-style: chr18-55319885-TTATAGTTGAA-T.
Other names: c.2932_2941del, p.Phe978fs (NM_001374386.1); c.3082_3091del, p.Phe1028fs (NM_005603.6); short protein forms F1028fs, F978fs.
Identifiers: ClinVar variation 2699206 (VCV002699206.3), dbSNP rs2511619878, ClinGen allele CA2576512369.

ClinVar aggregate classification (germline): Pathogenic (1 of 4 stars; one submission).

Submission:

Labcorp Genetics (formerly Invitae), Labcorp
Classification: Pathogenic. Last evaluated: 2023-11-27. Review status: criteria provided, single submitter. Criteria: Invitae Variant Classification Sherloc (09022015). Collection method: clinical testing. Allele origin: germline.
Comment: This sequence change creates a premature translational stop signal (p.Phe1028Argfs*5) in the ATP8B1 gene. It is expected to result in an absent or disrupted protein product. Loss-of-function variants in ATP8B1 are known to be pathogenic (PMID: 15239083, 22525741). This variant is not present in population databases (gnomAD no frequency). This variant has not been reported in the literature in individuals affected with ATP8B1-related conditions. For these reasons, this variant has been classified as Pathogenic.

Literature cited by the submitters: PubMed 15239083; PubMed 22525741.